The following is an entry in ClinVar:

ClinVar aggregate classification (germline): Uncertain significance (1 of 4 stars; one submission).

Submission:

Labcorp Genetics (formerly Invitae), Labcorp
Classification: Uncertain significance. Last evaluated: 2024-02-17. Review status: criteria provided, single submitter. Criteria: Invitae Variant Classification Sherloc (09022015). Collection method: clinical testing. Allele origin: germline.
Comment: This sequence change replaces cysteine, which is neutral and slightly polar, with serine, which is neutral and polar, at codon 7 of the TNFRSF11B protein (p.Cys7Ser). This variant is not present in population databases (gnomAD no frequency). This variant has not been reported in the literature in individuals affected with TNFRSF11B-related conditions. An algorithm developed to predict the effect of missense changes on protein structure and function (PolyPhen-2) suggests that this variant is likely to be tolerated. In summary, the available evidence is currently insufficient to determine the role of this variant in disease. Therefore, it has been classified as a Variant of Uncertain Significance.

NM_002546.4(TNFRSF11B):c.19T>A (p.Cys7Ser)

Gene: TNFRSF11B (TNF receptor superfamily member 11b; minus strand). Cytogenetic location: 8q24.12.
Variant type: single nucleotide variant.
Coding change: c.19T>A on transcript NM_002546.4 (MANE Select); coding-DNA position 19, T replaced by A.
Protein change: p.Cys7Ser; replaces cysteine 7 with serine.
Molecular consequence: missense variant.
Genome position (GRCh38, 1-based): chr8:118,951,803, A>T on the plus strand (T>A on the coding strand, the complement: TNFRSF11B is on the minus strand). VCF-style: chr8-118951803-A-T. GRCh37 (hg19) VCF-style: chr8-119964042-A-T.
Other names: short protein forms C7S.
Identifiers: ClinVar variation 3641453 (VCV003641453.2).
Genomic context (GRCh38, chr8:118,951,803, plus strand): 5'-AGCAGCCTCCCCAGGCGCCGGGCACCCGTCGGCTGGCCCAGGGACTTACCACGAGCGCGC[A>T]GCACAGCAAGTTGTTCATTGTGGTCCCCGGAAACCTCAGGGGCTTGGAGGCGGCGGCTGG-3'
Protein context (NP_002537.3, residues 1-17): MNNLLC[Cys7Ser]ALVFLDISIK